The following is an entry in ClinVar:

ClinVar aggregate classification (germline): Uncertain significance (1 of 4 stars; one submission).

gnomAD v4.1: 4 of 1,612,770 alleles (0.00025%); highest among the groups gnomAD compares: South Asian, 0.0011%; no homozygotes.

Submission:

Labcorp Genetics (formerly Invitae), Labcorp
Classification: Uncertain significance. Last evaluated: 2024-12-27. Review status: criteria provided, single submitter. Criteria: Invitae Variant Classification Sherloc (09022015). Collection method: clinical testing. Allele origin: germline.
Comment: This sequence change replaces phenylalanine, which is neutral and non-polar, with leucine, which is neutral and non-polar, at codon 584 of the ARHGAP24 protein (p.Phe584Leu). This variant is not present in population databases (gnomAD no frequency). This variant has not been reported in the literature in individuals affected with ARHGAP24-related conditions. An algorithm developed to predict the effect of missense changes on protein structure and function (PolyPhen-2) suggests that this variant is likely to be tolerated. In summary, the available evidence is currently insufficient to determine the role of this variant in disease. Therefore, it has been classified as a Variant of Uncertain Significance.

NM_001025616.3(ARHGAP24):c.1752T>G (p.Phe584Leu)

Gene: ARHGAP24 (Rho GTPase activating protein 24; plus strand). Cytogenetic location: 4q21.23.
Variant type: single nucleotide variant.
Coding change: c.1752T>G on transcript NM_001025616.3 (MANE Select); coding-DNA position 1752, T replaced by G.
Protein change: p.Phe584Leu; replaces phenylalanine 584 with leucine.
Molecular consequence: missense variant.
Genome position (GRCh38, 1-based): chr4:85,995,406, T>G. VCF-style: chr4-85995406-T-G. GRCh37 (hg19) VCF-style: chr4-86916559-T-G.
Other names: c.1467T>G, p.Phe489Leu (NM_001042669.2); c.1497T>G, p.Phe499Leu (NM_001287805.2); c.1173T>G, p.Phe391Leu (NM_001346093.2); c.1473T>G, p.Phe491Leu (NM_031305.3); short protein forms F391L, F489L, F491L, F499L, F584L.
Identifiers: ClinVar variation 3616971 (VCV003616971.2).